The following is an entry in ClinVar:

ClinVar aggregate classification (germline): Uncertain significance (1 of 4 stars; one submission).

Submission:

Ambry Genetics
Classification: Uncertain significance. Last evaluated: 2024-11-23. Review status: criteria provided, single submitter. Criteria: Ambry Variant Classification Scheme 2023. Collection method: clinical testing. Allele origin: germline.
Comment: The p.K528T variant (also known as c.1583A>C), located in coding exon 9 of the PALLD gene, results from an A to C substitution at nucleotide position 1583. The lysine at codon 528 is replaced by threonine, an amino acid with similar properties. This amino acid position is conserved. In addition, the in silico prediction for this alteration is inconclusive. Based on the available evidence, the clinical significance of this variant remains unclear.

NM_001166108.2(PALLD):c.3095A>C (p.Lys1032Thr)

Genes: CBR4 (carbonyl reductase 4; minus strand), PALLD (palladin, cytoskeletal associated protein; plus strand). Cytogenetic location: 4q32.3.
Variant type: single nucleotide variant.
Coding change: c.3095A>C on transcript NM_001166108.2 (MANE Select); coding-DNA position 3095, A replaced by C.
Protein change: p.Lys1032Thr; replaces lysine 1032 with threonine.
Molecular consequence: missense variant.
Genome position (GRCh38, 1-based): chr4:168,924,291, A>C. VCF-style: chr4-168924291-A-C. GRCh37 (hg19) VCF-style: chr4-169845442-A-C.
Other names: c.1898A>C, p.Lys633Thr (NM_001166109.2); c.1583A>C, p.Lys528Thr (NM_001166110.2); c.923A>C, p.Lys308Thr (NM_001367567.1, NM_001367569.1); c.974A>C, p.Lys325Thr (NM_001367568.1, NM_001367570.1); c.3044A>C, p.Lys1015Thr (NM_016081.4); short protein forms K308T, K633T, K1015T, K1032T, K528T, K325T.
Identifiers: ClinVar variation 3413699 (VCV003413699.1).
Genomic context (GRCh38, chr4:168,924,291, plus strand): 5'-AGAATTCATCTCATGTTTTCTTAGCTAAAGAAGCACACAAACCCCCTGTGTTTATTGAGA[A>C]GCTCCAAAACACAGGAGTTGCTGATGGGTACCCAGTGCGGCTGGAATGTCGTGTATTGGG-3'
Protein context (NP_001159580.1, residues 1022-1042): EAHKPPVFIE[Lys1032Thr]LQNTGVADGY